The following is an entry in ClinVar:

NM_000260.4(MYO7A):c.5497G>C (p.Gly1833Arg)

Gene: MYO7A (myosin VIIA; plus strand). Cytogenetic location: 11q13.5.
Variant type: single nucleotide variant.
Coding change: c.5497G>C on transcript NM_000260.4 (MANE Select); coding-DNA position 5497, G replaced by C.
Protein change: p.Gly1833Arg; replaces glycine 1833 with arginine.
Molecular consequence: missense variant.
Genome position (GRCh38, 1-based): chr11:77,205,478, G>C. VCF-style: chr11-77205478-G-C. GRCh37 (hg19) VCF-style: chr11-76916523-G-C.
Other names: c.5383G>C, p.Gly1795Arg (NM_001127180.2); c.5350G>C, p.Gly1784Arg (NM_001369365.1); short protein forms G1784R, G1795R, G1833R.
Identifiers: ClinVar variation 666882 (VCV000666882.4), dbSNP rs1367496020, ClinGen allele CA381952868.

ClinVar aggregate classification (germline): Uncertain significance (1 of 4 stars; one submission).

Allele frequency attached by ClinVar (database versions not stated): TOPMed 0.00001.
gnomAD v4.1: 1 of 1,579,694 alleles (0.000063%); highest among the groups gnomAD compares: Non-Finnish European, 0.000086%; no homozygotes.

Submission:

Laboratory for Molecular Medicine, Mass General Brigham Personalized Medicine
Classification: Uncertain significance. Last evaluated: 2018-06-06. Review status: criteria provided, single submitter. Criteria: LMM Criteria. Collection method: clinical testing. Allele origin: germline. Observed: 1 variant allele.
Comment: The p.Gly1833Arg variant in MYO7A has not been previously reported in individual s with hearing loss and was absent from large population studies. Computational prediction tools and conservation analysis suggest that the p.Gly1833Arg variant may impact the protein, though this information is not predictive enough to det ermine pathogenicity. In summary, the clinical significance of the p.Gly1833Arg variant is uncertain. ACMG/AMP Criteria applied: PM2, PP3.